The following is an entry in ClinVar:

NM_033004.4(NLRP1):c.3209C>T (p.Thr1070Met)

Gene: NLRP1 (NLR family pyrin domain containing 1; minus strand). Cytogenetic location: 17p13.2.
Variant type: single nucleotide variant.
Coding change: c.3209C>T on transcript NM_033004.4 (MANE Select); coding-DNA position 3209, C replaced by T.
Protein change: p.Thr1070Met; replaces threonine 1070 with methionine.
Molecular consequence: missense variant.
Genome position (GRCh38, 1-based): chr17:5,532,909, G>A on the plus strand (C>T on the coding strand, the complement: NLRP1 is on the minus strand). VCF-style: chr17-5532909-G-A. GRCh37 (hg19) VCF-style: chr17-5436229-G-A.
Other names: c.3119C>T, p.Thr1040Met (NM_033007.4, NM_033006.4); c.3221C>T, p.Thr1074Met (NM_001033053.3); c.3209C>T, p.Thr1070Met (NM_014922.5); short protein forms T1070M, T1040M, T1074M.
Identifiers: ClinVar variation 2113221 (VCV002113221.4), dbSNP rs1440706030, ClinGen allele CA397391605.

ClinVar aggregate classification (germline): Uncertain significance (1 of 4 stars; one submission).

Allele frequency attached by ClinVar (database versions not stated): gnomAD exomes below 0.00001.
gnomAD v4.1: 4 of 1,614,012 alleles (0.00025%); highest among the groups gnomAD compares: East Asian, 0.0022%; no homozygotes.

Submission:

Labcorp Genetics (formerly Invitae), Labcorp
Classification: Uncertain significance. Last evaluated: 2022-03-17. Review status: criteria provided, single submitter. Criteria: Invitae Variant Classification Sherloc (09022015). Collection method: clinical testing. Allele origin: germline.
Comment: In summary, the available evidence is currently insufficient to determine the role of this variant in disease. Therefore, it has been classified as a Variant of Uncertain Significance. Algorithms developed to predict the effect of missense changes on protein structure and function output the following: SIFT: "Tolerated"; PolyPhen-2: "Benign"; Align-GVGD: "Class C0". The methionine amino acid residue is found in multiple mammalian species, which suggests that this missense change does not adversely affect protein function. This variant has not been reported in the literature in individuals affected with NLRP1-related conditions. This variant is not present in population databases (gnomAD no frequency). This sequence change replaces threonine, which is neutral and polar, with methionine, which is neutral and non-polar, at codon 1070 of the NLRP1 protein (p.Thr1070Met).